The following is an entry in ClinVar:

ClinVar aggregate classification (germline): Uncertain significance (1 of 4 stars; one submission).

Submission:

Ambry Genetics
Classification: Uncertain significance. Last evaluated: 2021-12-08. Review status: criteria provided, single submitter. Criteria: Ambry Variant Classification Scheme 2023. Collection method: clinical testing. Allele origin: germline.
Comment: The p.F273L variant (also known as c.817T>C), located in coding exon 1 of the PALLD gene, results from a T to C substitution at nucleotide position 817. The phenylalanine at codon 273 is replaced by leucine, an amino acid with highly similar properties. This amino acid position is conserved. In addition, the in silico prediction for this alteration is inconclusive. Since supporting evidence is limited at this time, the clinical significance of this alteration remains unclear.

NM_001166108.2(PALLD):c.817T>C (p.Phe273Leu)

Gene: PALLD (palladin, cytoskeletal associated protein; plus strand). Cytogenetic location: 4q32.3.
Variant type: single nucleotide variant.
Coding change: c.817T>C on transcript NM_001166108.2 (MANE Select); coding-DNA position 817, T replaced by C.
Protein change: p.Phe273Leu; replaces phenylalanine 273 with leucine.
Molecular consequence: missense variant.
Genome position (GRCh38, 1-based): chr4:168,512,321, T>C. VCF-style: chr4-168512321-T-C. GRCh37 (hg19) VCF-style: chr4-169433472-T-C.
Other names: c.817T>C, p.Phe273Leu (NM_016081.4); short protein forms F273L.
Identifiers: ClinVar variation 1762314 (VCV001762314.2), dbSNP rs2531437153, ClinGen allele CA358728436.